The following is an entry in ClinVar:

ClinVar aggregate classification (germline): Likely pathogenic (1 of 4 stars; one submission).

Conditions:
Rubinstein-Taybi syndrome due to EP300 haploinsufficiency. Also called: RUBINSTEIN-TAYBI SYNDROME 2; EP300-Related Rubinstein-Taybi Syndrome. Identifiers: Orphanet 353284, Orphanet 783, MedGen C3150941, MONDO:0013364, OMIM 613684.

Submission:

3billion
Classification: Likely pathogenic for Rubinstein-Taybi syndrome due to EP300 haploinsufficiency. Last evaluated: 2025-12-05. Review status: criteria provided, single submitter. Criteria: ACMG Guidelines, 2015. Collection method: clinical testing. Allele origin: germline. Affected: yes.
Comment: The variant is not observed in the gnomAD v4.1.0 dataset. Predicted Consequence/Location: Stop-gained (nonsense): predicted to result in a loss or disruption of normal protein function through nonsense-mediated decay (NMD) or protein truncation. Multiple pathogenic variants are reported downstream of the variant. Therefore, this variant is classified as Likely pathogenic according to the recommendation of ACMG/AMP guideline.

NM_001429.4(EP300):c.727A>T (p.Lys243Ter)

Gene: EP300 (EP300 lysine acetyltransferase; plus strand). Cytogenetic location: 22q13.2.
Variant type: single nucleotide variant.
Coding change: c.727A>T on transcript NM_001429.4 (MANE Select); coding-DNA position 727, A replaced by T.
Protein change: p.Lys243Ter; replaces lysine 243 with a stop codon.
Molecular consequence: nonsense.
Genome position (GRCh38, 1-based): chr22:41,117,819, A>T. VCF-style: chr22-41117819-A-T. GRCh37 (hg19) VCF-style: chr22-41513823-A-T.
Other names: c.727A>T, p.Lys243Ter (NM_001362843.2); short protein forms K243*.
Identifiers: ClinVar variation 4854621 (VCV004854621.1).